The following is an entry in ClinVar:

ClinVar aggregate classification (germline): Uncertain significance (1 of 4 stars; one submission).

Conditions:
Inborn genetic diseases. Identifiers: MedGen C0950123, MeSH D030342.

Submission:

Ambry Genetics
Classification: Uncertain significance for Inborn genetic diseases. Last evaluated: 2025-04-16. Review status: criteria provided, single submitter. Criteria: Ambry Variant Classification Scheme 2023. Collection method: clinical testing. Allele origin: germline.
Comment: The p.P65R variant (also known as c.194C>G), located in coding exon 2 of the ERCC6L2 gene, results from a C to G substitution at nucleotide position 194. The proline at codon 65 is replaced by arginine, an amino acid with dissimilar properties. This amino acid position is conserved. In addition, the in silico prediction for this alteration is inconclusive. Based on the available evidence, the clinical significance of this variant remains unclear.

NM_020207.7(ERCC6L2):c.194C>G (p.Pro65Arg)

Gene: ERCC6L2 (ERCC excision repair 6 like 2; plus strand). Cytogenetic location: 9q22.32.
Variant type: single nucleotide variant.
Coding change: c.194C>G on transcript NM_020207.7 (MANE Select); coding-DNA position 194, C replaced by G.
Protein change: p.Pro65Arg; replaces proline 65 with arginine.
Molecular consequence: missense variant. On other transcripts: non-coding transcript variant (1).
Genome position (GRCh38, 1-based): chr9:95,881,016, C>G. VCF-style: chr9-95881016-C-G. GRCh37 (hg19) VCF-style: chr9-98643298-C-G.
Other names: c.194C>G, p.Pro65Arg (NM_001010895.4, NM_001375291.1, NM_001375292.1 and 2 more transcripts); short protein forms P65R.
Identifiers: ClinVar variation 4019310 (VCV004019310.1).